The following is an entry in ClinVar:

NM_170707.4(LMNA):c.10C>G (p.Pro4Ala)

Gene: LMNA (lamin A/C; plus strand). Cytogenetic location: 1q22.
Variant type: single nucleotide variant.
Coding change: c.10C>G on transcript NM_170707.4 (MANE Select); coding-DNA position 10, C replaced by G.
Protein change: p.Pro4Ala; replaces proline 4 with alanine.
Molecular consequence: missense variant.
Genome position (GRCh38, 1-based): chr1:156,114,928, C>G. VCF-style: chr1-156114928-C-G. GRCh37 (hg19) VCF-style: chr1-156084719-C-G.
Other names: c.10C>G, p.Pro4Ala (NM_001282625.2, NM_001282626.2, NM_001406983.1 and 6 more transcripts); c.-414C>G (NM_001406986.1); c.-392C>G (NM_001406990.1, NM_001406995.1, NM_001407002.1); c.-655C>G (NM_001406994.1, NM_001407000.1); c.-835C>G (NM_001406999.1); c.-498C>G (NM_001407001.1); short protein forms P4A.
Identifiers: ClinVar variation 1706186 (VCV001706186.7), dbSNP rs1477323839, ClinGen allele CA342805930.

ClinVar aggregate classification (germline): Uncertain significance. Review status: criteria provided, multiple submitters, no conflicts (2 of 4 stars). 2 submissions from 2 submitters: Uncertain significance (2). Last evaluated 2022-10-19.

Conditions:
Charcot-Marie-Tooth disease type 2. Also called: Charcot-Marie-Tooth type 2. Identifiers: Orphanet 64746, MedGen C0270914, MONDO:0018993.

gnomAD v4.1: 1 of 1,557,040 alleles (0.000064%); highest among the groups gnomAD compares: South Asian, 0.0012%; no homozygotes.

Submissions (2):

Labcorp Genetics (formerly Invitae), Labcorp
Classification: Uncertain significance for Charcot-Marie-Tooth disease type 2. Last evaluated: 2022-10-19. Review status: criteria provided, single submitter. Criteria: Invitae Variant Classification Sherloc (09022015). Collection method: clinical testing. Allele origin: germline.
Comment: In summary, the available evidence is currently insufficient to determine the role of this variant in disease. Therefore, it has been classified as a Variant of Uncertain Significance. This variant disrupts the p.Pro4 amino acid residue in LMNA. Other variant(s) that disrupt this residue have been determined to be pathogenic (PMID: 19875478, 24861648). This suggests that this residue is clinically significant, and that variants that disrupt this residue are likely to be disease-causing. Advanced modeling of protein sequence and biophysical properties (such as structural, functional, and spatial information, amino acid conservation, physicochemical variation, residue mobility, and thermodynamic stability) performed at Invitae indicates that this missense variant is expected to disrupt LMNA protein function. ClinVar contains an entry for this variant (Variation ID: 1706186). This variant has not been reported in the literature in individuals affected with LMNA-related conditions. This variant is not present in population databases (gnomAD no frequency). This sequence change replaces proline, which is neutral and non-polar, with alanine, which is neutral and non-polar, at codon 4 of the LMNA protein (p.Pro4Ala).

GeneDx
Classification: Uncertain significance. Last evaluated: 2022-03-15. Review status: criteria provided, single submitter. Criteria: GeneDx Variant Classification Process June 2021. Collection method: clinical testing. Allele origin: germline. Affected: yes.
Comment: Has not been previously published as pathogenic or benign to our knowledge; Not observed at significant frequency in large population cohorts (gnomAD); In silico analysis supports that this missense variant does not alter protein structure/function; This variant is associated with the following publications: (PMID: 10939567)

Literature cited by the submitters: PubMed 19875478 (cited by Labcorp Genetics (formerly Invitae), Labcorp); PubMed 24861648 (cited by Labcorp Genetics (formerly Invitae), Labcorp).